The following is an entry in ClinVar:

ClinVar aggregate classification (germline): Uncertain significance (1 of 4 stars; one submission).

Allele frequency attached by ClinVar (database versions not stated): gnomAD exomes below 0.00001 and 0.00001; TOPMed below 0.00001.
gnomAD v4.1: 5 of 1,614,192 alleles (0.00031%); highest among the groups gnomAD compares: Non-Finnish European, 0.00042%; no homozygotes.

Submissions (2):

Labcorp Genetics (formerly Invitae), Labcorp
Classification: Uncertain significance. Last evaluated: 2024-11-11. Review status: criteria provided, single submitter. Criteria: Invitae Variant Classification Sherloc (09022015). Collection method: clinical testing. Allele origin: germline.
Comment: This sequence change replaces cysteine, which is neutral and slightly polar, with serine, which is neutral and polar, at codon 1501 of the CAD protein (p.Cys1501Ser). This variant is present in population databases (no rsID available, gnomAD 0.0009%). This variant has not been reported in the literature in individuals affected with CAD-related conditions. ClinVar contains an entry for this variant (Variation ID: 1405771). An algorithm developed to predict the effect of missense changes on protein structure and function (PolyPhen-2) suggests that this variant is likely to be tolerated. Algorithms developed to predict the effect of sequence changes on RNA splicing suggest that this variant may disrupt the consensus splice site. In summary, the available evidence is currently insufficient to determine the role of this variant in disease. Therefore, it has been classified as a Variant of Uncertain Significance.

Dr. Peter K. Rogan Lab, Western University
No classification provided (evidence only). Condition: Acute myeloid leukemia. Review status: no classification provided. Collection method: in vitro. Allele origin: not applicable. Functional consequence: retained intron. Not counted in ClinVar's aggregate classification.

NM_004341.5(CAD):c.4501T>A (p.Cys1501Ser)

Gene: CAD (carbamoyl-phosphate synthetase 2, aspartate transcarbamylase, and dihydroorotase; plus strand). Cytogenetic location: 2p23.3.
Variant type: single nucleotide variant.
Coding change: c.4501T>A on transcript NM_004341.5 (MANE Select); coding-DNA position 4501, T replaced by A.
Protein change: p.Cys1501Ser; replaces cysteine 1501 with serine.
Molecular consequence: missense variant.
Genome position (GRCh38, 1-based): chr2:27,237,483, T>A. VCF-style: chr2-27237483-T-A. GRCh37 (hg19) VCF-style: chr2-27460351-T-A.
Other names: c.4312T>A, p.Cys1438Ser (NM_001306079.2); short protein forms C1438S, C1501S.
Identifiers: ClinVar variation 1405771 (VCV001405771.9), dbSNP rs1184277935, ClinGen allele CA346220009.
Genomic context (GRCh38, chr2:27,237,483, plus strand): 5'-CATAAGGAGGACTTTGCTTCAGGCACAGCCGCTGCCCTGGCTGGGGGTATCACCATGGTG[T>A]GTGCCATGCCTAATACCCGGCCCCCCATCATTGACGCCCCTGCTCTGGCCCTGGCCCAGA-3'
Protein context (NP_004332.2, residues 1491-1511): AALAGGITMV[Cys1501Ser]AMPNTRPPII